The following is an entry in ClinVar:

ClinVar aggregate classification (germline): Uncertain significance. Review status: criteria provided, multiple submitters, no conflicts (2 of 4 stars). 2 submissions from 2 submitters: Uncertain significance (2). Last evaluated 2025-07-09.

Conditions:
Ehlers-Danlos syndrome, spondylodysplastic type, 3. Also called: Ehlers-Danlos syndrome, spondylocheirodysplastic type. Identifiers: Orphanet 157965, MedGen C2676510, MONDO:0012873, OMIM 612350.

Allele frequency attached by ClinVar (database versions not stated): gnomAD 0.00001; TOPMed 0.00001.

Submissions (2):

Women's Health and Genetics/Laboratory Corporation of America, LabCorp
Classification: Uncertain significance. Last evaluated: 2025-07-09. Review status: criteria provided, single submitter. Criteria: LabCorp Variant Classification Summary - May 2015. Collection method: clinical testing. Allele origin: germline.
Comment: Variant summary: SLC39A13 c.970A>G (p.Ile324Val) results in a conservative amino acid change in the encoded protein sequence. Algorithms developed to predict the effect of missense changes on protein structure and function are either unavailable or do not agree on the potential impact of this missense change. The variant was absent in 248116 control chromosomes. The available data on variant occurrences in the general population are insufficient to allow any conclusion about variant significance. To our knowledge, no occurrence of c.970A>G in individuals affected with Ehlers-Danlos syndrome, spondylocheirodysplastic type and no experimental evidence demonstrating its impact on protein function have been reported. ClinVar contains an entry for this variant (Variation ID: 647707). Based on the evidence outlined above, the variant was classified as uncertain significance.

Labcorp Genetics (formerly Invitae), Labcorp
Classification: Uncertain significance for Ehlers-Danlos syndrome, spondylodysplastic type, 3. Last evaluated: 2019-01-07. Review status: criteria provided, single submitter. Criteria: Invitae Variant Classification Sherloc (09022015). Collection method: clinical testing. Allele origin: germline.
Comment: In summary, the available evidence is currently insufficient to determine the role of this variant in disease. Therefore, it has been classified as a Variant of Uncertain Significance. Algorithms developed to predict the effect of missense changes on protein structure and function output the following: SIFT: "Tolerated"; PolyPhen-2: "Benign"; Align-GVGD: "Class C0". The valine amino acid residue is found in multiple mammalian species, suggesting that this missense change does not adversely affect protein function. These predictions have not been confirmed by published functional studies and their clinical significance is uncertain. This variant has not been reported in the literature in individuals with SLC39A13-related disease. This variant is not present in population databases (ExAC no frequency). This sequence change replaces isoleucine with valine at codon 324 of the SLC39A13 protein (p.Ile324Val). The isoleucine residue is highly conserved and there is a small physicochemical difference between isoleucine and valine.

NM_001128225.3(SLC39A13):c.991A>G (p.Ile331Val)

Gene: SLC39A13 (solute carrier family 39 member 13; plus strand). Cytogenetic location: 11p11.2.
Variant type: single nucleotide variant.
Coding change: c.991A>G on transcript NM_001128225.3 (MANE Select); coding-DNA position 991, A replaced by G.
Protein change: p.Ile331Val; replaces isoleucine 331 with valine.
Molecular consequence: missense variant. On other transcripts: synonymous variant (1), non-coding transcript variant (1).
Genome position (GRCh38, 1-based): chr11:47,415,110, A>G. VCF-style: chr11-47415110-A-G. GRCh37 (hg19) VCF-style: chr11-47436661-A-G.
Other names: c.966A>G, p.Thr322= (NM_001330245.2); c.970A>G, p.Ile324Val (NM_152264.5); short protein forms I324V, I331V.
Identifiers: ClinVar variation 647707 (VCV000647707.10), dbSNP rs1407619087, ClinGen allele CA380314979.